The following is an entry in ClinVar:

ClinVar aggregate classification (germline): Uncertain significance. Review status: criteria provided, multiple submitters, no conflicts (2 of 4 stars). 2 submissions from 2 submitters: Uncertain significance (2). Last evaluated 2025-12-15.

Conditions:
Inborn genetic diseases. Identifiers: MedGen C0950123, MeSH D030342.

Submissions (2):

Ambry Genetics
Classification: Uncertain significance for Inborn genetic diseases. Last evaluated: 2025-12-15. Review status: criteria provided, single submitter. Criteria: Ambry Variant Classification Scheme 2023. Collection method: clinical testing. Allele origin: germline.

Labcorp Genetics (formerly Invitae), Labcorp
Classification: Uncertain significance. Last evaluated: 2022-02-05. Review status: criteria provided, single submitter. Criteria: Invitae Variant Classification Sherloc (09022015). Collection method: clinical testing. Allele origin: germline.
Comment: Algorithms developed to predict the effect of missense changes on protein structure and function (SIFT, PolyPhen-2, Align-GVGD) all suggest that this variant is likely to be disruptive. ClinVar contains an entry for this variant (Variation ID: 1010059). This variant has not been reported in the literature in individuals affected with MERTK-related conditions. This variant is not present in population databases (gnomAD no frequency). This sequence change replaces cysteine, which is neutral and slightly polar, with tyrosine, which is neutral and polar, at codon 361 of the MERTK protein (p.Cys361Tyr). In summary, the available evidence is currently insufficient to determine the role of this variant in disease. Therefore, it has been classified as a Variant of Uncertain Significance.

NM_006343.3(MERTK):c.1082G>A (p.Cys361Tyr)

Genes: MERTK (MER proto-oncogene, tyrosine kinase; plus strand), LOC112806037 (Sharpr-MPRA regulatory region 3720; plus strand). Cytogenetic location: 2q13.
Variant type: single nucleotide variant.
Coding change: c.1082G>A on transcript NM_006343.3 (MANE Select); coding-DNA position 1082, G replaced by A.
Protein change: p.Cys361Tyr; replaces cysteine 361 with tyrosine.
Molecular consequence: missense variant.
Genome position (GRCh38, 1-based): chr2:111,975,410, G>A. VCF-style: chr2-111975410-G-A. GRCh37 (hg19) VCF-style: chr2-112732987-G-A.
Other names: c.1082G>A (NM_006343.2); short protein forms C361Y.
Identifiers: ClinVar variation 1010059 (VCV001010059.11), dbSNP rs1676226910, ClinGen allele CA348233632.